The following is an entry in ClinVar:

ClinVar aggregate classification (germline): Likely benign. Review status: criteria provided, multiple submitters, no conflicts (2 of 4 stars). 4 submissions from 4 submitters: Likely benign (4). Last evaluated 2025-12-08.

Conditions:
Cardiomyopathy (CMYO). Also called: Cardiomyopathies. Identifiers: Orphanet 167848, MedGen C0878544, MONDO:0004994, HP:0001638. Inheritance: Various modes of inheritance.
Arrhythmogenic cardiomyopathy with wooly hair and keratoderma. Also called: PALMOPLANTAR KERATODERMA WITH LEFT VENTRICULAR CARDIOMYOPATHY AND WOOLLY HAIR; Carvajal syndrome; Dilated cardiomyopathy with woolly hair and keratoderma; Arrhythmogenic cardiomyopathy with woolly hair and keratoderma. Identifiers: Orphanet 65282, MedGen C1854063, MONDO:0011581, OMIM 605676.
Cardiovascular phenotype. Identifiers: MedGen CN230736.
Arrhythmogenic right ventricular dysplasia 8 (ARVD8). Also called: Arrhythmogenic Right Ventricular Dysplasia/Cardiomyopathy 8; ARRHYTHMOGENIC RIGHT VENTRICULAR DYSPLASIA, FAMILIAL, 8; ARRHYTHMOGENIC RIGHT VENTRICULAR CARDIOMYOPATHY 8. Identifiers: MedGen C1843896, MONDO:0011831, OMIM 607450.

Allele frequency attached by ClinVar (database versions not stated): gnomAD exomes below 0.00001 and 0.00001; ExAC 0.00001; gnomAD 0.00001; TOPMed 0.00001; ESP Exome Variant Server 0.00008.
gnomAD v4.1: 5 of 1,613,860 alleles (0.00031%); highest among the groups gnomAD compares: Admixed American, 0.005%; no homozygotes.

Submissions (4):

Labcorp Genetics (formerly Invitae), Labcorp
Classification: Likely benign for Arrhythmogenic cardiomyopathy with wooly hair and keratoderma; Arrhythmogenic right ventricular dysplasia 8. Last evaluated: 2025-12-08. Review status: criteria provided, single submitter. Criteria: Invitae Variant Classification Sherloc (09022015). Collection method: clinical testing. Allele origin: germline.

Ambry Genetics
Classification: Likely benign for Cardiovascular phenotype. Last evaluated: 2024-12-17. Review status: criteria provided, single submitter. Criteria: Ambry Variant Classification Scheme 2023. Collection method: clinical testing. Allele origin: germline.

All of Us Research Program, National Institutes of Health
Classification: Likely benign for Arrhythmogenic cardiomyopathy with wooly hair and keratoderma. Last evaluated: 2024-05-14. Review status: criteria provided, single submitter. Criteria: ACMG Guidelines, 2015. Collection method: clinical testing. Allele origin: germline. Inheritance: Autosomal dominant inheritance. Observed: 3 variant alleles, 3 heterozygotes.
Comment: This study involves interpretation of variants in research participants for the purpose of population health screening. Participant phenotype was not available at the time of variant classification. Additional details can be found in publication PMID: 35346344, PMCID: PMC8962531

Color Diagnostics, LLC DBA Color Health
Classification: Likely benign for Cardiomyopathy. Last evaluated: 2019-06-01. Review status: criteria provided, single submitter. Criteria: ACMG Guidelines, 2015. Collection method: clinical testing. Allele origin: germline.

NM_004415.4(DSP):c.4242C>T (p.Asn1414=)

Gene: DSP (desmoplakin; plus strand). Cytogenetic location: 6p24.3.
Variant type: single nucleotide variant.
Coding change: c.4242C>T on transcript NM_004415.4 (MANE Select); coding-DNA position 4242, C replaced by T.
Protein change: p.Asn1414=; no amino-acid change (asparagine 1414 retained).
Molecular consequence: synonymous variant. On other transcripts: intron variant (2).
Genome position (GRCh38, 1-based): chr6:7,580,432, C>T. VCF-style: chr6-7580432-C-T. GRCh37 (hg19) VCF-style: chr6-7580665-C-T.
Other names: c.4050+192C>T (NM_001319034.2); c.3582+660C>T (NM_001008844.3).
Identifiers: ClinVar variation 922833 (VCV000922833.14), dbSNP rs375941706, ClinGen allele CA040878.
Genomic context (GRCh38, chr6:7,580,432, plus strand): 5'-GATAGACAATCTCACCCGAGAAAACAGGAGCTTATCTGAAGAAATAAAGAGGCTGAAGAA[C>T]ACTCTAACCCAGACCACAGAGAATCTCAGGAGGGTGGAAGAAGACATCCAACAGCAAAAG-3'
Protein context (NP_004406.2, residues 1404-1424): SLSEEIKRLK[Asn1414=]TLTQTTENLR